The following is an entry in ClinVar:

ClinVar aggregate classification (germline): Uncertain significance. Review status: criteria provided, multiple submitters, no conflicts (2 of 4 stars). 2 submissions from 2 submitters: Uncertain significance (2). Last evaluated 2025-04-28.

Conditions:
Inborn genetic diseases. Identifiers: MedGen C0950123, MeSH D030342.

Allele frequency attached by ClinVar (database versions not stated): gnomAD 0.00001; TOPMed 0.00001.
gnomAD v4.1: 8 of 1,606,932 alleles (0.0005%); highest among the groups gnomAD compares: Admixed American, 0.005%; no homozygotes.

Submissions (2):

GeneDx
Classification: Uncertain significance. Last evaluated: 2025-04-28. Review status: criteria provided, single submitter. Criteria: GeneDx Variant Classification Process June 2021. Collection method: clinical testing. Allele origin: germline. Affected: yes.
Comment: In silico analysis indicates that this missense variant does not alter protein structure/function; Has not been previously published as pathogenic or benign to our knowledge; In silico analysis is inconclusive as to whether the variant alters gene splicing; in the absence of RNA/functional studies the actual effect of this sequence change is unknown

Ambry Genetics
Classification: Uncertain significance for Inborn genetic diseases. Last evaluated: 2024-10-06. Review status: criteria provided, single submitter. Criteria: Ambry Variant Classification Scheme 2023. Collection method: clinical testing. Allele origin: germline.

NM_001374675.1(HSF4):c.1325G>A (p.Gly442Glu)

Genes: HSF4 (heat shock transcription factor 4; plus strand), LOC130059183 (ATAC-STARR-seq lymphoblastoid active region 10954; plus strand). Cytogenetic location: 16q22.1.
Variant type: single nucleotide variant.
Coding change: c.1325G>A on transcript NM_001374675.1 (MANE Select); coding-DNA position 1325, G replaced by A.
Protein change: p.Gly442Glu; replaces glycine 442 with glutamic acid.
Molecular consequence: missense variant.
Genome position (GRCh38, 1-based): chr16:67,169,631, G>A. VCF-style: chr16-67169631-G-A. GRCh37 (hg19) VCF-style: chr16-67203534-G-A.
Other names: c.1325G>A, p.Gly442Glu (NM_001040667.3); c.1235G>A, p.Gly412Glu (NM_001374674.1, NM_001538.4); short protein forms G442E, G412E.
Identifiers: ClinVar variation 2285233 (VCV002285233.4), dbSNP rs940209535, ClinGen allele CA282293531.
Genomic context (GRCh38, chr16:67,169,631, plus strand): 5'-CTTCCCTGAAGAAAGGAGGGGGAACATTTCCCCTGGTGAGCGCAGTCCCACTTCTCCTAG[G>A]GAAGGACCCCACGCTCGGGGCCCCACTCCTGCTGGATGTCCAGGCGGCCTTGGGAGGCCC-3'
Protein context (NP_001361604.1, residues 432-452): AVKGLNSPSP[Gly442Glu]KDPTLGAPLL